The following is an entry in ClinVar:

ClinVar aggregate classification (germline): Uncertain significance (1 of 4 stars; one submission).

Conditions:
Neuroblastoma, susceptibility to, 3. Also called: ALK-Related Neuroblastic Tumor Susceptibility. Identifiers: Orphanet 635, MedGen C2751681, MONDO:0013083, OMIM 613014.

Submission:

Labcorp Genetics (formerly Invitae), Labcorp
Classification: Uncertain significance for Neuroblastoma, susceptibility to, 3. Last evaluated: 2022-12-06. Review status: criteria provided, single submitter. Criteria: Invitae Variant Classification Sherloc (09022015). Collection method: clinical testing. Allele origin: germline.
Comment: In summary, the available evidence is currently insufficient to determine the role of this variant in disease. Therefore, it has been classified as a Variant of Uncertain Significance. Algorithms developed to predict the effect of missense changes on protein structure and function (SIFT, PolyPhen-2, Align-GVGD) all suggest that this variant is likely to be disruptive. ClinVar contains an entry for this variant (Variation ID: 849292). This variant has not been reported in the literature in individuals affected with ALK-related conditions. This variant is not present in population databases (gnomAD no frequency). This sequence change replaces leucine, which is neutral and non-polar, with proline, which is neutral and non-polar, at codon 1190 of the ALK protein (p.Leu1190Pro).

NM_004304.5(ALK):c.3569T>C (p.Leu1190Pro)

Gene: ALK (ALK receptor tyrosine kinase; minus strand). Cytogenetic location: 2p23.2.
Variant type: single nucleotide variant.
Coding change: c.3569T>C on transcript NM_004304.5 (MANE Select); coding-DNA position 3569, T replaced by C.
Protein change: p.Leu1190Pro; replaces leucine 1190 with proline.
Molecular consequence: missense variant.
Genome position (GRCh38, 1-based): chr2:29,220,782, A>G on the plus strand (T>C on the coding strand, the complement: ALK is on the minus strand). VCF-style: chr2-29220782-A-G. GRCh37 (hg19) VCF-style: chr2-29443648-A-G.
Other names: c.365T>C, p.Leu122Pro (NM_001353765.2); short protein forms L122P, L1190P.
Identifiers: ClinVar variation 849292 (VCV000849292.9), dbSNP rs1669780974, ClinGen allele CA346473090.
Genomic context (GRCh38, chr2:29,220,782, plus strand): 5'-TCTCGGAGGAAGGACTTGAGGTCTCCCCCCGCCATGAGCTCCAGCAGGATGAACCGGGGC[A>G]GGGATTGCAGGCTCACCCCAATGCAGCGAACAATGTTCTGGTGGTTGAATTTGCTGCAGA-3'
Protein context (NP_004295.2, residues 1180-1200): VRCIGVSLQS[Leu1190Pro]PRFILLELMA